The following is an entry in ClinVar:

ClinVar aggregate classification (germline): no classifications from unflagged records (0 of 4 stars; one submission).

Conditions:
Chronic obstructive pulmonary disease. Also called: Chronic pulmonary obstruction. Identifiers: MedGen C0024117, MeSH D029424, MONDO:0005002, OMIM 606963, HP:0006510.

Submission:

Dr Mariam's Lab, University of the Punjab
Classification: Likely pathogenic for Chronic obstructive pulmonary disease. Review status: flagged submission. Collection method: case-control. Allele origin: germline. Affected: yes.
ClinVar note: Notes: This phenotype is not a monogenic disease. The terms P/LP are not appropriate.
ClinVar note: Reason: Other

NM_000583.4(GC):c.1328del (p.Asn443fs)

Gene: GC (GC vitamin D binding protein; minus strand). Cytogenetic location: 4q13.3.
Variant type: Deletion.
Coding change: c.1328del on transcript NM_000583.4 (MANE Select); coding-DNA position 1328, one base deleted (A; older notation c.1328delA).
Protein change: p.Asn443fs; shifts the reading frame from asparagine 443.
Molecular consequence: frameshift variant.
Genome position (GRCh38, 1-based): chr4:71,752,585, T deleted on the plus strand (A on the coding strand, the reverse complement: GC is on the minus strand); the first of 2 consecutive T bases (chr4:71,752,585-71,752,586); deleting either gives the same sequence. VCF-style (leftmost placement, unchanged base first): chr4-71752584-GT-G. GRCh37 (hg19) VCF-style: chr4-72618301-GT-G.
Other names: c.1328del, p.Asn443fs (NM_001204306.1); c.1385del, p.Asn462fs (NM_001204307.1); c.1328delA (NM_000583.4); short protein forms N443fs, N462fs.
Identifiers: ClinVar variation 3336643 (VCV003336643.1).